The following is an entry in ClinVar:

NM_003784.4(SERPINB7):c.833A>G (p.Gln278Arg)

Gene: SERPINB7 (serpin family B member 7; plus strand). Cytogenetic location: 18q21.33.
Variant type: single nucleotide variant.
Coding change: c.833A>G on transcript NM_003784.4 (MANE Select); coding-DNA position 833, A replaced by G.
Protein change: p.Gln278Arg; replaces glutamine 278 with arginine.
Molecular consequence: missense variant.
Genome position (GRCh38, 1-based): chr18:63,804,325, A>G. VCF-style: chr18-63804325-A-G. GRCh37 (hg19) VCF-style: chr18-61471559-A-G.
Other names: c.833A>G, p.Gln278Arg (NM_001040147.3, NM_001261830.2); c.782A>G, p.Gln261Arg (NM_001261831.2); c.833A>G (NM_003784.2); short protein forms Q261R, Q278R.
Identifiers: ClinVar variation 2169434 (VCV002169434.4), dbSNP rs150696599, ClinGen allele CA8989546.

ClinVar aggregate classification (germline): Uncertain significance. Review status: criteria provided, multiple submitters, no conflicts (2 of 4 stars). 2 submissions from 2 submitters: Uncertain significance (2). Last evaluated 2023-12-26.

Conditions:
Inborn genetic diseases. Identifiers: MedGen C0950123, MeSH D030342.

Allele frequency attached by ClinVar (database versions not stated): ExAC 0.00016; gnomAD exomes 0.00017; gnomAD 0.00018; TOPMed 0.00024; ESP Exome Variant Server 0.00038.
gnomAD v4.1: 279 of 1,612,418 alleles (0.017%); highest among the groups gnomAD compares: Middle Eastern, 0.066%; no homozygotes.

Submissions (2):

Ambry Genetics
Classification: Uncertain significance for Inborn genetic diseases. Last evaluated: 2023-12-26. Review status: criteria provided, single submitter. Criteria: Ambry Variant Classification Scheme 2023. Collection method: clinical testing. Allele origin: germline.

Labcorp Genetics (formerly Invitae), Labcorp
Classification: Uncertain significance. Last evaluated: 2022-08-23. Review status: criteria provided, single submitter. Criteria: Invitae Variant Classification Sherloc (09022015). Collection method: clinical testing. Allele origin: germline.
Comment: In summary, the available evidence is currently insufficient to determine the role of this variant in disease. Therefore, it has been classified as a Variant of Uncertain Significance. Algorithms developed to predict the effect of missense changes on protein structure and function output the following: SIFT: "Tolerated"; PolyPhen-2: "Benign"; Align-GVGD: "Class C0". The arginine amino acid residue is found in multiple mammalian species, which suggests that this missense change does not adversely affect protein function. This variant has not been reported in the literature in individuals affected with SERPINB7-related conditions. This variant is present in population databases (rs150696599, gnomAD 0.03%). This sequence change replaces glutamine, which is neutral and polar, with arginine, which is basic and polar, at codon 278 of the SERPINB7 protein (p.Gln278Arg).